The following is an entry in ClinVar:

ClinVar aggregate classification (germline): Uncertain significance (1 of 4 stars; one submission).

Submission:

Labcorp Genetics (formerly Invitae), Labcorp
Classification: Uncertain significance. Last evaluated: 2022-02-12. Review status: criteria provided, single submitter. Criteria: Invitae Variant Classification Sherloc (09022015). Collection method: clinical testing. Allele origin: germline.
Comment: This sequence change replaces leucine, which is neutral and non-polar, with methionine, which is neutral and non-polar, at codon 379 of the TONSL protein (p.Leu379Met). This variant is not present in population databases (gnomAD no frequency). This variant has not been reported in the literature in individuals affected with TONSL-related conditions. Algorithms developed to predict the effect of missense changes on protein structure and function are either unavailable or do not agree on the potential impact of this missense change (SIFT: "Tolerated"; PolyPhen-2: "Probably Damaging"; Align-GVGD: "Class C0"). In summary, the available evidence is currently insufficient to determine the role of this variant in disease. Therefore, it has been classified as a Variant of Uncertain Significance.

NM_013432.5(TONSL):c.1135C>A (p.Leu379Met)

Gene: TONSL (tonsoku like, DNA repair protein; minus strand). Cytogenetic location: 8q24.3.
Variant type: single nucleotide variant.
Coding change: c.1135C>A on transcript NM_013432.5 (MANE Select); coding-DNA position 1135, C replaced by A.
Protein change: p.Leu379Met; replaces leucine 379 with methionine.
Molecular consequence: missense variant.
Genome position (GRCh38, 1-based): chr8:144,440,747, G>T on the plus strand (C>A on the coding strand, the complement: TONSL is on the minus strand). VCF-style: chr8-144440747-G-T. GRCh37 (hg19) VCF-style: chr8-145666130-G-T.
Other names: short protein forms L379M.
Identifiers: ClinVar variation 2097302 (VCV002097302.4), dbSNP rs140691873, ClinGen allele CA372670488.